The following is an entry in ClinVar:

ClinVar aggregate classification (germline): Uncertain significance. Review status: criteria provided, multiple submitters, no conflicts (2 of 4 stars). 2 submissions from 2 submitters: Uncertain significance (2). Last evaluated 2024-02-21.

Conditions:
Inborn genetic diseases. Identifiers: MedGen C0950123, MeSH D030342.

Allele frequency attached by ClinVar (database versions not stated): gnomAD 0.00001.
gnomAD v4.1: 15 of 1,613,824 alleles (0.00093%); highest among the groups gnomAD compares: East Asian, 0.033%; no homozygotes.

Submissions (2):

Ambry Genetics
Classification: Uncertain significance for Inborn genetic diseases. Last evaluated: 2024-02-21. Review status: criteria provided, single submitter. Criteria: Ambry Variant Classification Scheme 2023. Collection method: clinical testing. Allele origin: germline.

Labcorp Genetics (formerly Invitae), Labcorp
Classification: Uncertain significance. Last evaluated: 2022-12-06. Review status: criteria provided, single submitter. Criteria: Invitae Variant Classification Sherloc (09022015). Collection method: clinical testing. Allele origin: germline.
Comment: This sequence change replaces lysine, which is basic and polar, with glutamine, which is neutral and polar, at codon 75 of the WDR73 protein (p.Lys75Gln). This variant is present in population databases (no rsID available, gnomAD 0.01%). This variant has not been reported in the literature in individuals affected with WDR73-related conditions. Advanced modeling of protein sequence and biophysical properties (such as structural, functional, and spatial information, amino acid conservation, physicochemical variation, residue mobility, and thermodynamic stability) has been performed at Invitae for this missense variant, however the output from this modeling did not meet the statistical confidence thresholds required to predict the impact of this variant on WDR73 protein function. In summary, the available evidence is currently insufficient to determine the role of this variant in disease. Therefore, it has been classified as a Variant of Uncertain Significance.

NM_032856.5(WDR73):c.223A>C (p.Lys75Gln)

Gene: WDR73 (WD repeat domain 73; minus strand). Cytogenetic location: 15q25.2.
Variant type: single nucleotide variant.
Coding change: c.223A>C on transcript NM_032856.5 (MANE Select); coding-DNA position 223, A replaced by C.
Protein change: p.Lys75Gln; replaces lysine 75 with glutamine.
Molecular consequence: missense variant. On other transcripts: non-coding transcript variant (3).
Genome position (GRCh38, 1-based): chr15:84,648,601, T>G on the plus strand (A>C on the coding strand, the complement: WDR73 is on the minus strand). VCF-style: chr15-84648601-T-G. GRCh37 (hg19) VCF-style: chr15-85191832-T-G.
Other names: c.223A>C (NM_032856.2); short protein forms K75Q.
Identifiers: ClinVar variation 2086455 (VCV002086455.4), dbSNP rs1256100222, ClinGen allele CA393332075.